The following is an entry in ClinVar:

NM_001111125.3(IQSEC2):c.2459+21C>T

Gene: IQSEC2 (IQ motif and Sec7 domain ArfGEF 2; minus strand). Cytogenetic location: Xp11.22.
Variant type: single nucleotide variant.
Coding change: c.2459+21C>T on transcript NM_001111125.3 (MANE Select); 21 bases into the intron after coding-DNA position 2459, C replaced by T.
Molecular consequence: intron variant.
Genome position (GRCh38, 1-based): chrX:53,248,700, G>A on the plus strand (C>T on the coding strand, the complement: IQSEC2 is on the minus strand). VCF-style: chrX-53248700-G-A. GRCh37 (hg19) VCF-style: chrX-53277882-G-A.
Other names: c.2459+21C>T (NM_001410736.1); c.1844+21C>T (NM_015075.2).
Identifiers: ClinVar variation 3257739 (VCV003257739.4), dbSNP rs368945951.

ClinVar aggregate classification (germline): Pathogenic. Review status: criteria provided, multiple submitters, no conflicts (2 of 4 stars). 2 submissions from 2 submitters: Pathogenic (2). Last evaluated 2026-02-18.

Conditions:
Intellectual developmental disorder, X-linked 1. Also called: Atkin Flaitz Patil Smith syndrome; MENTAL RETARDATION, X-LINKED 18; MENTAL RETARDATION, X-LINKED 78; Intellectual disability, X-linked 1. Identifiers: Orphanet 777, MedGen C2931498, MONDO:0010656, OMIM 309530.

Submissions (2):

Institute of Human Genetics, University of Leipzig Medical Center
Classification: Pathogenic for Intellectual developmental disorder, X-linked 1. Last evaluated: 2026-02-18. Review status: criteria provided, single submitter. Criteria: ACMG Guidelines, 2015. Collection method: clinical testing. Allele origin: de novo. Affected: yes.
Comment: Criteria applied: PVS1,PS2,PS4_SUP,PM2

Spanish Undiagnosed Rare Disease Program-IIER, Instituto de Salud Carlos III
Classification: Pathogenic for Intellectual developmental disorder, X-linked 1. Last evaluated: 2022-08-05. Review status: criteria provided, single submitter. Criteria: ACMG Guidelines, 2015. Collection method: clinical testing. Allele origin: de novo, not applicable. Inheritance: X-linked dominant inheritance. Affected: yes. Observed: 1 hemizygote. Functional consequence: cryptic splice donor activation.
Comment: The c.2459+21C>T variant is not reported in genomic databases such as GnomAD. Additionally, the effect of the variant was experimentally investigated. Gene expression analysis of the IQSEC2 gene in the blood cells and in muscle sample from the patient demonstrated that this change affects the normal splicing of intron 6. The variant generates an alternative donor splicing-site, with part of the intronic sequence included in the transcript (publication pending). We classified this variant as pathogenic.

Literature cited by the submitters: PubMed 36012761 (cited by Spanish Undiagnosed Rare Disease Program-IIER, Instituto de Salud Carlos III).